The following is an entry in ClinVar:

NM_020706.2(SCAF4):c.1865A>G (p.Asp622Gly)

Gene: SCAF4 (SR-related CTD associated factor 4; minus strand). Cytogenetic location: 21q22.11.
Variant type: single nucleotide variant.
Coding change: c.1865A>G on transcript NM_020706.2 (MANE Select); coding-DNA position 1865, A replaced by G.
Protein change: p.Asp622Gly; replaces aspartic acid 622 with glycine.
Molecular consequence: missense variant.
Genome position (GRCh38, 1-based): chr21:31,690,817, T>C on the plus strand (A>G on the coding strand, the complement: SCAF4 is on the minus strand). VCF-style: chr21-31690817-T-C. GRCh37 (hg19) VCF-style: chr21-33063130-T-C.
Other names: c.1820A>G, p.Asp607Gly (NM_001145444.1); c.1865A>G, p.Asp622Gly (NM_001145445.1); short protein forms D607G, D622G.
Identifiers: ClinVar variation 3375262 (VCV003375262.1).

ClinVar aggregate classification (germline): Uncertain significance (1 of 4 stars; one submission).

Submission:

Women's Health and Genetics/Laboratory Corporation of America, LabCorp
Classification: Uncertain significance. Last evaluated: 2024-09-24. Review status: criteria provided, single submitter. Criteria: LabCorp Variant Classification Summary - May 2015. Collection method: clinical testing. Allele origin: germline.
Comment: Variant summary: SCAF4 c.1865A>G (p.Asp622Gly) results in a non-conservative amino acid change in the encoded protein sequence. Five of five in-silico tools predict a damaging effect of the variant on protein function. The variant allele was found at a frequency of 4e-06 in 250674 control chromosomes. The available data on variant occurrences in the general population are insufficient to allow any conclusion about variant significance. To our knowledge, no occurrence of c.1865A>G in individuals affected with Fliedner-Zweier Syndrome and no experimental evidence demonstrating its impact on protein function have been reported. No submitters have cited clinical-significance assessments for this variant to ClinVar. Based on the evidence outlined above, the variant was classified as uncertain significance.